The following is an entry in ClinVar:

ClinVar aggregate classification (germline): Uncertain significance (1 of 4 stars; one submission).

gnomAD v4.1: 6 of 1,610,000 alleles (0.00037%); highest among the groups gnomAD compares: African/African-American, 0.0013%; no homozygotes.

Submission:

GeneDx
Classification: Uncertain significance. Last evaluated: 2025-06-10. Review status: criteria provided, single submitter. Criteria: GeneDx Variant Classification Process June 2021. Collection method: clinical testing. Allele origin: germline. Affected: yes.
Comment: Not observed at significant frequency in large population cohorts (gnomAD); In silico analysis supports that this missense variant has a deleterious effect on protein structure/function; Has not been previously published as pathogenic or benign to our knowledge

NM_005529.7(HSPG2):c.4564C>A (p.Pro1522Thr)

Gene: HSPG2 (heparan sulfate proteoglycan 2; minus strand). Cytogenetic location: 1p36.12.
Variant type: single nucleotide variant.
Coding change: c.4564C>A on transcript NM_005529.7 (MANE Select); coding-DNA position 4564, C replaced by A.
Protein change: p.Pro1522Thr; replaces proline 1522 with threonine.
Molecular consequence: missense variant.
Genome position (GRCh38, 1-based): chr1:21,864,905, G>T on the plus strand (C>A on the coding strand, the complement: HSPG2 is on the minus strand). VCF-style: chr1-21864905-G-T. GRCh37 (hg19) VCF-style: chr1-22191398-G-T.
Other names: c.4567C>A, p.Pro1523Thr (NM_001291860.2); short protein forms P1522T, P1523T.
Identifiers: ClinVar variation 4538056 (VCV004538056.1).